The following is an entry in ClinVar:

NM_000053.4(ATP7B):c.2865+6T>G

Gene: ATP7B (ATPase copper transporting beta; minus strand). Cytogenetic location: 13q14.3.
Variant type: single nucleotide variant.
Coding change: c.2865+6T>G on transcript NM_000053.4 (MANE Select); 6 bases into the intron after coding-DNA position 2865, T replaced by G.
Molecular consequence: intron variant.
Genome position (GRCh38, 1-based): chr13:51,949,656, A>C on the plus strand (T>G on the coding strand, the complement: ATP7B is on the minus strand). VCF-style: chr13-51949656-A-C. GRCh37 (hg19) VCF-style: chr13-52523792-A-C.
Other names: c.2532+6T>G (NM_001243182.2); c.2244+351T>G (NM_001005918.3); c.2613+6T>G (NM_001330579.2); c.2631+6T>G (NM_001330578.2).
Identifiers: ClinVar variation 1679503 (VCV001679503.7), dbSNP rs2139185644, ClinGen allele CA2573149688.

ClinVar aggregate classification (germline): Uncertain significance (1 of 4 stars; one submission).

Conditions:
Wilson disease (WND). Also called: Wilson's disease. Identifiers: Orphanet 905, MedGen C0019202, MONDO:0010200, OMIM 277900. Disease mechanism: loss of function.

Submission:

ARUP Laboratories, Molecular Genetics and Genomics, ARUP Laboratories
Classification: Uncertain significance for Wilson disease. Last evaluated: 2022-02-10. Review status: criteria provided, single submitter. Criteria: ARUP Molecular Germline Variant Investigation Process 2021. Collection method: clinical testing. Allele origin: germline.
Comment: The ATP7B c.2865+6T>G variant, to our knowledge, is not reported in the medical literature or gene specific databases. This variant is absent from the Genome Aggregation Database, indicating it is not a common polymorphism. This is an intronic variant in a highly conserved nucleotide, and computational analyses (Alamut v.2.11) predict that this variant may impact splicing by weakening the nearby canonical donor splice site. However, given the lack of clinical and functional data, the significance of the c.2865+6T>G variant is uncertain at this time.